The following is an entry in ClinVar:

ClinVar aggregate classification (germline): Uncertain significance (1 of 4 stars; one submission).

gnomAD v4.1: 14 of 1,608,494 alleles (0.00087%); highest among the groups gnomAD compares: Non-Finnish European, 0.0011%; no homozygotes.

Submission:

Labcorp Genetics (formerly Invitae), Labcorp
Classification: Uncertain significance. Last evaluated: 2024-02-26. Review status: criteria provided, single submitter. Criteria: Invitae Variant Classification Sherloc (09022015). Collection method: clinical testing. Allele origin: germline.
Comment: This sequence change replaces threonine, which is neutral and polar, with serine, which is neutral and polar, at codon 9 of the ACO2 protein (p.Thr9Ser). This variant is present in population databases (no rsID available, gnomAD 0.007%). This variant has not been reported in the literature in individuals affected with ACO2-related conditions. Advanced modeling of protein sequence and biophysical properties (such as structural, functional, and spatial information, amino acid conservation, physicochemical variation, residue mobility, and thermodynamic stability) performed at Invitae indicates that this missense variant is not expected to disrupt ACO2 protein function with a negative predictive value of 95%. Algorithms developed to predict the effect of sequence changes on RNA splicing suggest that this variant may create or strengthen a splice site. In summary, the available evidence is currently insufficient to determine the role of this variant in disease. Therefore, it has been classified as a Variant of Uncertain Significance.

NM_001098.3(ACO2):c.26C>G (p.Thr9Ser)

Gene: ACO2 (aconitase 2; plus strand). Cytogenetic location: 22q13.2.
Variant type: single nucleotide variant.
Coding change: c.26C>G on transcript NM_001098.3 (MANE Select); coding-DNA position 26, C replaced by G.
Protein change: p.Thr9Ser; replaces threonine 9 with serine.
Molecular consequence: missense variant.
Genome position (GRCh38, 1-based): chr22:41,469,172, C>G. VCF-style: chr22-41469172-C-G. GRCh37 (hg19) VCF-style: chr22-41865176-C-G.
Other names: short protein forms T9S.
Identifiers: ClinVar variation 3612293 (VCV003612293.2).